The following is an entry in ClinVar:

ClinVar aggregate classification (germline): Uncertain significance. Review status: criteria provided, multiple submitters, no conflicts (2 of 4 stars). 2 submissions from 2 submitters: Uncertain significance (2). Last evaluated 2021-06-13.

Conditions:
Charcot-Marie-Tooth disease axonal type 2P. Also called: CHARCOT-MARIE-TOOTH DISEASE, AXONAL, TYPE 2G; CMT 2G; CHARCOT-MARIE-TOOTH NEUROPATHY, TYPE 2P; Charcot-Marie-Tooth Neuropathy Type 2G. Identifiers: Orphanet 300319, Orphanet 99941, MedGen C3280797, MONDO:0013753, OMIM 614436.

Allele frequency attached by ClinVar (database versions not stated): gnomAD exomes below 0.00001.
gnomAD v4.1: 6 of 1,613,870 alleles (0.00037%); highest among the groups gnomAD compares: Non-Finnish European, 0.00051%; no homozygotes.

Submissions (2):

Labcorp Genetics (formerly Invitae), Labcorp
Classification: Uncertain significance for Charcot-Marie-Tooth disease axonal type 2P. Last evaluated: 2021-06-13. Review status: criteria provided, single submitter. Criteria: Invitae Variant Classification Sherloc (09022015). Collection method: clinical testing. Allele origin: germline.
Comment: This sequence change affects codon 176 of the LRSAM1 mRNA. It is a 'silent' change, meaning that it does not change the encoded amino acid sequence of the LRSAM1 protein. This variant also falls at the last nucleotide of exon 8 of the LRSAM1 coding sequence, which is part of the consensus splice site for this exon. This variant is not present in population databases (ExAC no frequency). In summary, the available evidence is currently insufficient to determine the role of this variant in disease. Therefore, it has been classified as a Variant of Uncertain Significance. Nucleotide substitutions within the consensus splice site are a relatively common cause of aberrant splicing (PMID: 17576681, 9536098). Algorithms developed to predict the effect of sequence changes on RNA splicing suggest that this variant may disrupt the consensus splice site, but this prediction has not been confirmed by published transcriptional studies. This variant has not been reported in the literature in individuals with LRSAM1-related disease.

Illumina Laboratory Services, Illumina
Classification: Uncertain significance for Charcot-Marie-Tooth disease axonal type 2P. Last evaluated: 2018-01-13. Review status: criteria provided, single submitter. Criteria: ICSL Variant Classification Criteria 13 December 2019. Collection method: clinical testing. Allele origin: germline.

Literature cited by the submitters: PubMed 17576681 (cited by Labcorp Genetics (formerly Invitae), Labcorp); PubMed 9536098 (cited by Labcorp Genetics (formerly Invitae), Labcorp).

NM_001005373.4(LRSAM1):c.528G>A (p.Glu176=)

Gene: LRSAM1 (leucine rich repeat and sterile alpha motif containing 1; plus strand). Cytogenetic location: 9q33.3.
Variant type: single nucleotide variant.
Coding change: c.528G>A on transcript NM_001005373.4 (MANE Select); coding-DNA position 528, G replaced by A.
Protein change: p.Glu176=; no amino-acid change (glutamic acid 176 retained).
Molecular consequence: synonymous variant. On other transcripts: 5 prime UTR variant (1), non-coding transcript variant (2).
Genome position (GRCh38, 1-based): chr9:127,462,373, G>A. VCF-style: chr9-127462373-G-A. GRCh37 (hg19) VCF-style: chr9-130224652-G-A.
Other names: c.528G>A, p.Glu176= (NM_001005374.4, NM_001190723.3, NM_001384142.1 and 2 more transcripts); c.-257G>A (NM_001384144.1).
Identifiers: ClinVar variation 568098 (VCV000568098.10), dbSNP rs1564255509, ClinGen allele CA467218487.